The following is an entry in ClinVar:

NM_005896.4(IDH1):c.394C>T (p.Arg132Cys)

Gene: IDH1 (isocitrate dehydrogenase (NADP(+)) 1; minus strand). Cytogenetic location: 2q34.
Variant type: single nucleotide variant.
Coding change: c.394C>T on transcript NM_005896.4 (MANE Select); coding-DNA position 394, C replaced by T.
Protein change: p.Arg132Cys; replaces arginine 132 with cysteine.
Molecular consequence: missense variant.
Genome position (GRCh38, 1-based): chr2:208,248,389, G>A on the plus strand (C>T on the coding strand, the complement: IDH1 is on the minus strand). VCF-style: chr2-208248389-G-A. GRCh37 (hg19) VCF-style: chr2-209113113-G-A.
Other names: c.394C>T (NM_005896.3); c.394C>T, p.Arg132Cys (NM_001282386.1, NM_001282387.1); short protein forms R132C.
Identifiers: ClinVar variation 375891 (VCV000375891.59), dbSNP rs121913499, ClinGen allele CA16602374.
Genomic context (GRCh38, chr2:208,248,389, plus strand): 5'-AAAAAACATGCAAAATCACATTATTGCCAACATGACTTACTTGATCCCCATAAGCATGAC[G>A]ACCTATGATGATAGGTTTTACCCATCCACTCACAAGCCGGGGGATATTTTTGCAGATAAT-3'
Protein context (NP_005887.2, residues 122-142): SGWVKPIIIG[Arg132Cys]HAYGDQYRAT

ClinVar aggregate classification (germline): Pathogenic/Likely pathogenic. Review status: criteria provided, multiple submitters, no conflicts (2 of 4 stars). 12 submissions from 12 submitters: Pathogenic (9); Likely pathogenic (1). 2 of the submissions do not count toward it. Last evaluated 2026-05-04.
ClinVar aggregate classification (somatic clinical impact): Tier I - Strong. Review status: criteria provided, single submitter (1 of 4 stars). 2 submissions from 1 submitter. 1 of the submissions does not count toward it. Last evaluated 2024-03-13.
ClinVar aggregate classification (oncogenicity): Oncogenic (1 of 4 stars; one submission).

Conditions:
Acute myeloid leukemia (AML). Also called: Acute myeloid leukemia, adult; AML adult; Acute non-lymphocytic leukemia; Acute granulocytic leukemia; Leukemia, acute myeloid, somatic; Leukemia, acute myelogenous, somatic. Identifiers: Orphanet 519, MedGen C0023467, MeSH D015470, MONDO:0018874, OMIM 601626, HP:0004808. Disease mechanism: Constitutively activated FLT3.
Glioma susceptibility 1 (GLM1). Also called: Glioblastoma, somatic. Identifiers: MedGen C2750850, MONDO:0024498, OMIM 137800.
Maffucci syndrome. Also called: MULTIPLE ENCHONDROMATOSIS, MAFFUCCI TYPE; Kast Syndrome; Dyschondrodysplasia with Hemangiomas; Enchondromatosis with Multiple Cavernous Hemangiomas; Hemangiomatosis Chondrodystrophica; Multiple Angiomas and Endochondromas. Identifiers: Orphanet 163634, MedGen C0024454, MONDO:0013808, OMIM 614569.
Enchondromatosis. Also called: Multiple cartilaginous enchondroses; Multiple enchondromatosis; ENCHONDROMATOSIS, MULTIPLE, OLLIER TYPE; Ollier disease; DYSCHONDROPLASIA. Identifiers: Orphanet 296, MedGen C0014084, MONDO:0008145, OMIM 166000, HP:0005701.
Juvenile type testicular granulosa cell tumor. Identifiers: MedGen C1515285, MONDO:0003741, HP:0034380.
Medulloblastoma (MDB). Also called: MEDULLOBLASTOMA PREDISPOSITION SYNDROME; Medulloblastoma, somatic. Identifiers: Orphanet 616, MedGen C0025149, MeSH D008527, MONDO:0007959, OMIM 155255, HP:0002885.
Neoplasm. Also called: tumor; Neoplasms; Neoplasm (disease). Identifiers: MedGen C0027651, MeSH D009369, MONDO:0005070, HP:0002664.

Allele frequency attached by ClinVar (database versions not stated): TOPMed below 0.00001; gnomAD 0.00001.

Submissions (15):

Institute of Human Genetics, University of Leipzig Medical Center
Classification: Pathogenic for Glioma susceptibility 1. Last evaluated: 2026-05-04. Review status: criteria provided, single submitter. Criteria: ACMG Guidelines, 2015. Collection method: clinical testing. Allele origin: unknown. Affected: yes.
Comment: Criteria applied: PS3,PM1_STR,PM2_SUP,PP3

Institute for Genomic Medicine (IGM) Clinical Laboratory, Nationwide Children's Hospital
Classification: Tier II - Potential for Medulloblastoma. Assertion type: diagnostic. Clinical significance: supports diagnosis. Last evaluated: 2025-10-29. Review status: criteria provided, single submitter. Criteria: AMP/ASCO/CAP Guidelines, 2017. Collection method: clinical testing. Allele origin: somatic. Affected: yes. Not counted in ClinVar's aggregate classification.
Comment: Variant has Tier II (potential) clinical significance as a diagnostic inclusion criterion in medulloblastoma, based on the following evidence: 1) Documented in one or more cancer databases (e.g., St. Jude Pecan, COSMIC, CIViC, OncoKB). 2) Information in the literature supports potential biologic effect of variant (PMIDs: 23954893, 19935646). 3) Assists in diagnosis alone or along with other biomarkers based on small studies or few case reports (Evidence Level D; PMIDs: 22820256, 28726821, 29971034).

Center for Genomic Medicine, Rigshospitalet, Copenhagen University Hospital
Classification: Oncogenic for Neoplasm. Last evaluated: 2025-03-04. Review status: criteria provided, single submitter. Criteria: ClinGen/CGC/VICC Guidelines for Oncogenicity, 2022. Collection method: clinical testing. Allele origin: somatic. Affected: yes.

Institute for Genomic Medicine (IGM) Clinical Laboratory, Nationwide Children's Hospital
Classification: Tier I - Strong for Juvenile type testicular granulosa cell tumor. Assertion type: diagnostic. Clinical significance: supports diagnosis. Last evaluated: 2024-03-13. Review status: criteria provided, single submitter. Criteria: AMP/ASCO/CAP Guidelines, 2017. Collection method: clinical testing. Allele origin: somatic. Affected: yes.
Comment: Variant has Tier I (strong) clinical significance as a diagnostic inclusion criterion in juvenile type testicular granulosa cell tumor, based on the following evidence: 1) Documented in one or more cancer databases (e.g., St. Jude Pecan, COSMIC, CIViC, OncoKB). 2) Appears in one or more well-established professional guidelines (e.g., World Health Organization [WHO]; National Comprehensive Cancer Network [NCCN]) as providing diagnostic, prognostic, or therapeutic information. 3) Diagnostic for a specific tumor type/classification based on well-powered studies with expert-level consensus (Evidence Level B; PMIDs: 31409083, 35296906, 37324278).

Clinical Genomics Laboratory, Washington University in St. Louis
Classification: Pathogenic for Maffucci syndrome. Last evaluated: 2023-09-08. Review status: criteria provided, single submitter. Criteria: ACMG Guidelines, 2015. Collection method: clinical testing. Allele origin: somatic. Affected: yes.
Comment: The IDH1 c.394C>T (p.Arg132Cys) variant was identified at an allelic fraction consistent with somatic origin. It has been detected in several individuals affected with Maffucci syndrome and Ollier disease caused by somatic IDH1 c.394C>T (p.Arg132Cys) pathogenic variants (Pansuriya TC et al., PMID: 22057234; Nejo T et al., PMID: 30579273; Saiji E et al., PMID: 31240473; Amary MF et al. PMID: 22057236). This variant has been reported in the ClinVar database as pathogenic by eight submitters and as likely pathogenic by a single submitter (ClinVar ID: 375891) in both a germline and a somatic state. It also has been reported in 1150 cases in the cancer database (COSMIC ID: COSV61615256). IDH1 c.394C>T (p.Arg132Cys) is only observed on 1/151438 alleles in the general population (gnomAD v.3.1.2), indicating it is not a common variant. This variant resides within a region, amino acids 104-136, of IDH1 that is defined as a critical functional domain (Reitman ZJ et al., PMID: 20513808). Computational predictors indicate that the variant is damaging, evidence that correlates with impact to IDH1 function. Functional studies using cell lines show that this variant disrupts the resulting enzyme's ability to catalyze conversion of isocitrate to alpha-ketoglutarate (Dang L et al., PMID: 19935646). Other variants in this codon have been reported in individuals with Maffucci syndrome and Ollier disease and are considered pathogenic (Pansuriya TC et al., PMID: 22057234, ClinVar ID: 156444). Based on an internally-developed protocol informed by the ACMG/AMP guidelines (Richards S et al., PMID: 25741868) and gene-specific practices from the ClinGen Criteria Specification Registry, the IDH1 c.394C>T (p.Arg132Cys) variant is classified as pathogenic.

Greenwood Genetic Center Diagnostic Laboratories, Greenwood Genetic Center
Classification: Pathogenic for Ollier disease; Maffucci syndrome. Last evaluated: 2022-08-11. Review status: criteria provided, single submitter. Criteria: ACMG Guidelines, 2015. Collection method: clinical testing. Allele origin: somatic. Affected: yes.
Comment: PS3, PS4, PM2, PP3

Kasturba Medical College, Manipal, Kasturba Medical College, Manipal, Manipal Academy of Higher Education, Manipal, India
Classification: Pathogenic for Enchondromatosis. Last evaluated: 2022-05-09. Review status: criteria provided, single submitter. Criteria: ACMG Guidelines, 2015. Collection method: clinical testing. Allele origin: germline. Affected: yes.

Seattle Children's Hospital Molecular Genetics Laboratory, Seattle Children's Hospital
Classification: Pathogenic. Last evaluated: 2021-03-01. Review status: criteria provided, single submitter. Criteria: ACMG Guidelines, 2015. Collection method: clinical testing. Allele origin: somatic. Affected: yes.
Comment: This variant results in the substitution of arginine with cysteine at position 132 within the IDH1 protein. This variant is absent from large population cohorts (Genome Aggregation Database v2.1), and has been previously reported pathogenic in numerous individuals (PMID: 23485734, PMID: 30677207, PMID: 22057236, PMID: 22057234). In addition, functional studies demonstrate that the p.R132C mutation leads to neomorphic gain of function of the IDH1 protein (PMID: 19935646).

Clinical Genetics and Genomics, Karolinska University Hospital
Classification: Pathogenic. Last evaluated: 2019-07-24. Review status: criteria provided, single submitter. Criteria: ACMG Guidelines, 2015. Collection method: clinical testing. Allele origin: germline. Affected: yes. Observed: 1 variant allele.

Molecular Diagnostics Laboratory, M Health Fairview: University of Minnesota
Classification: Pathogenic for Acute myeloid leukemia. Last evaluated: 2019-03-12. Review status: criteria provided, single submitter. Criteria: AMP Guidelines, 2017. Collection method: clinical testing. Allele origin: somatic. Affected: yes.

CeGaT Center for Human Genetics Tuebingen
Classification: Likely pathogenic. Last evaluated: 2017-02-01. Review status: criteria provided, single submitter. Criteria: CeGaT Center For Human Genetics Tuebingen Variant Classification Criteria Version 2. Collection method: clinical testing. Allele origin: germline. Affected: yes. Observed: 1 variant allele.

Center of Excellence in Precision Medicine and Digital Health (CEPMDH), Faculty of Dentistry, Chulalongkorn University
Classification: Pathogenic for Glioma susceptibility 1. Review status: criteria provided, single submitter. Criteria: AMP Guidelines, 2017. Collection method: clinical testing. Allele origin: somatic. Inheritance: Somatic mutation. Affected: yes. Observed: 1 variant allele, 1 heterozygote.
Comment: This variant was categorized in the Tier I variants by AMP Standards and Guidelines for the Interpretation and Reporting of Sequence Variants in Cancer (Marilyn M. Li, 2017).

Institute for Medical Genetics and Human Genetics, Charité - Universitätsmedizin Berlin
Classification: Pathogenic. Review status: criteria provided, single submitter. Criteria: ACMG Guidelines, 2015. Collection method: not provided. Allele origin: germline. Affected: yes.

Sung Lab, Department of Medicine, Roswell Park Comprehensive Cancer Center
Classification: Pathogenic for Acute myeloid leukemia. Last evaluated: 2023-06-08. Review status: no assertion criteria provided. Collection method: clinical testing. Allele origin: somatic. Affected: yes. Not counted in ClinVar's aggregate classification.

Molecular Diagnostics Laboratory, University of Rochester Medical Center
Classification: Pathogenic for Acute myeloid leukemia. Review status: no assertion criteria provided. Collection method: curation. Allele origin: germline. Affected: yes. Not counted in ClinVar's aggregate classification.

Literature cited by the submitters: PubMed 23954893 (cited by Institute for Genomic Medicine (IGM) Clinical Laboratory, Nationwide Children's Hospital); PubMed 19935646 (cited by Institute for Genomic Medicine (IGM) Clinical Laboratory, Nationwide Children's Hospital and Center for Genomic Medicine, Rigshospitalet, Copenhagen University Hospital); PubMed 22820256 (cited by Institute for Genomic Medicine (IGM) Clinical Laboratory, Nationwide Children's Hospital); PubMed 28726821 (cited by Institute for Genomic Medicine (IGM) Clinical Laboratory, Nationwide Children's Hospital); PubMed 29971034 (cited by Institute for Genomic Medicine (IGM) Clinical Laboratory, Nationwide Children's Hospital); PubMed 26161668 (cited by Center for Genomic Medicine, Rigshospitalet, Copenhagen University Hospital); PubMed 22885298 (cited by Center for Genomic Medicine, Rigshospitalet, Copenhagen University Hospital); PubMed 31409083 (cited by Institute for Genomic Medicine (IGM) Clinical Laboratory, Nationwide Children's Hospital); PubMed 35296906 (cited by Institute for Genomic Medicine (IGM) Clinical Laboratory, Nationwide Children's Hospital); PubMed 37324278 (cited by Institute for Genomic Medicine (IGM) Clinical Laboratory, Nationwide Children's Hospital); PubMed 30231226 (cited by Molecular Diagnostics Laboratory, University of Rochester Medical Center).